The following is an entry in ClinVar:

ClinVar aggregate classification (germline): Uncertain significance (1 of 4 stars; one submission).

Conditions:
Neurodegeneration with brain iron accumulation 5 (NBIA5). Also called: Beta-propeller protein-associated neurodegeneration; STATIC ENCEPHALOPATHY OF CHILDHOOD WITH NEURODEGENERATION IN ADULTHOOD. Identifiers: Orphanet 329284, MedGen C3550973, MONDO:0010476, OMIM 300894.

Submission:

Labcorp Genetics (formerly Invitae), Labcorp
Classification: Uncertain significance for Neurodegeneration with brain iron accumulation 5. Last evaluated: 2023-11-08. Review status: criteria provided, single submitter. Criteria: Invitae Variant Classification Sherloc (09022015). Collection method: clinical testing. Allele origin: germline.
Comment: This sequence change replaces lysine, which is basic and polar, with methionine, which is neutral and non-polar, at codon 115 of the WDR45 protein (p.Lys115Met). This variant is not present in population databases (gnomAD no frequency). This variant has not been reported in the literature in individuals affected with WDR45-related conditions. ClinVar contains an entry for this variant (Variation ID: 2128402). An algorithm developed to predict the effect of missense changes on protein structure and function (PolyPhen-2) suggests that this variant is likely to be tolerated. In summary, the available evidence is currently insufficient to determine the role of this variant in disease. Therefore, it has been classified as a Variant of Uncertain Significance.

NM_001029896.2(WDR45):c.341A>T (p.Lys114Met)

Gene: WDR45 (WD repeat domain 45; minus strand). Cytogenetic location: Xp11.23.
Variant type: single nucleotide variant.
Coding change: c.341A>T on transcript NM_001029896.2 (MANE Select); coding-DNA position 341, A replaced by T.
Protein change: p.Lys114Met; replaces lysine 114 with methionine.
Molecular consequence: missense variant.
Genome position (GRCh38, 1-based): chrX:49,076,645, T>A on the plus strand (A>T on the coding strand, the complement: WDR45 is on the minus strand). VCF-style: chrX-49076645-T-A. GRCh37 (hg19) VCF-style: chrX-48934304-T-A.
Other names: c.344A>T, p.Lys115Met (NM_007075.4); short protein forms K114M, K115M.
Identifiers: ClinVar variation 2128402 (VCV002128402.4), dbSNP rs2065039596, ClinGen allele CA412946588.
Genomic context (GRCh38, chrX:49,076,645, plus strand): 5'-TATCCCTCTCACTTACTGTGGGGACCTCCTACCTCCCACCCCGGTCCTCCTCAGGCTCAC[T>A]TGTCATGGCGCATGCGCACAGAAAGCACTGGCTTGGTGAAGGTGAACTCCAGCACCAGCT-3'
Protein context (NP_001025067.1, residues 104-124): PVLSVRMRHD[Lys114Met]IVIVLKNRIY